The following is an entry in ClinVar:

NM_006182.4(DDR2):c.2125C>T (p.Arg709Ter)

Gene: DDR2 (discoidin domain receptor tyrosine kinase 2; plus strand). Cytogenetic location: 1q23.3.
Variant type: single nucleotide variant.
Coding change: c.2125C>T on transcript NM_006182.4 (MANE Select); coding-DNA position 2125, C replaced by T.
Protein change: p.Arg709Ter; replaces arginine 709 with a stop codon.
Molecular consequence: nonsense.
Genome position (GRCh38, 1-based): chr1:162,776,212, C>T. VCF-style: chr1-162776212-C-T. GRCh37 (hg19) VCF-style: chr1-162746002-C-T.
Other names: c.2125C>T, p.Arg709Ter (NM_001014796.3, NM_001354982.2, NM_001354983.2); short protein forms R709*.
Identifiers: ClinVar variation 2801612 (VCV002801612.4), dbSNP rs1056323839, ClinGen allele CA31815180.

ClinVar aggregate classification (germline): Pathogenic (1 of 4 stars; one submission).

Allele frequency attached by ClinVar (database versions not stated): gnomAD exomes 0.00001; TOPMed 0.00001.
gnomAD v4.1: 9 of 1,613,882 alleles (0.00056%); highest among the groups gnomAD compares: African/African-American, 0.0013%; no homozygotes.

Submissions (2):

Labcorp Genetics (formerly Invitae), Labcorp
Classification: Pathogenic. Last evaluated: 2023-10-04. Review status: criteria provided, single submitter. Criteria: Invitae Variant Classification Sherloc (09022015). Collection method: clinical testing. Allele origin: germline.
Comment: This sequence change creates a premature translational stop signal (p.Arg709*) in the DDR2 gene. It is expected to result in an absent or disrupted protein product. Loss-of-function variants in DDR2 are known to be pathogenic (PMID: 11375938, 29884795). This variant is present in population databases (no rsID available, gnomAD 0.003%). This variant has not been reported in the literature in individuals affected with DDR2-related conditions. For these reasons, this variant has been classified as Pathogenic.

Dr. Peter K. Rogan Lab, Western University
No classification provided (evidence only). Condition: Ovarian serous cystadenocarcinoma. Review status: no classification provided. Collection method: in vitro. Allele origin: not applicable. Functional consequence: retained intron. Not counted in ClinVar's aggregate classification.

Literature cited by the submitters: PubMed 11375938 (cited by Labcorp Genetics (formerly Invitae), Labcorp); PubMed 29884795 (cited by Labcorp Genetics (formerly Invitae), Labcorp).